The following is an entry in ClinVar:

ClinVar aggregate classification (germline): Uncertain significance. Review status: criteria provided, multiple submitters, no conflicts (2 of 4 stars). 2 submissions from 2 submitters: Uncertain significance (2). Last evaluated 2025-08-23.

Conditions:
Inborn genetic diseases. Identifiers: MedGen C0950123, MeSH D030342.

Allele frequency attached by ClinVar (database versions not stated): gnomAD 0.00010; TOPMed 0.00011; 1000 Genomes Project 0.00020; ESP Exome Variant Server 0.00024; 1000 Genomes Project 30x 0.00031.
gnomAD v4.1: 395 of 1,613,806 alleles (0.024%); highest among the groups gnomAD compares: East Asian, 0.076%; no homozygotes.

Submissions (2):

Ambry Genetics
Classification: Uncertain significance for Inborn genetic diseases. Last evaluated: 2025-08-23. Review status: criteria provided, single submitter. Criteria: Ambry Variant Classification Scheme 2023. Collection method: clinical testing. Allele origin: germline.

Labcorp Genetics (formerly Invitae), Labcorp
Classification: Uncertain significance. Last evaluated: 2022-01-21. Review status: criteria provided, single submitter. Criteria: Invitae Variant Classification Sherloc (09022015). Collection method: clinical testing. Allele origin: germline.
Comment: This sequence change replaces arginine, which is basic and polar, with histidine, which is basic and polar, at codon 1283 of the DOCK6 protein (p.Arg1283His). This variant is present in population databases (rs189925805, gnomAD 0.08%). This variant has not been reported in the literature in individuals affected with DOCK6-related conditions. Algorithms developed to predict the effect of missense changes on protein structure and function are either unavailable or do not agree on the potential impact of this missense change (SIFT: "Deleterious"; PolyPhen-2: "Benign"; Align-GVGD: "Class C0"). In summary, the available evidence is currently insufficient to determine the role of this variant in disease. Therefore, it has been classified as a Variant of Uncertain Significance.

NM_020812.4(DOCK6):c.3848G>A (p.Arg1283His)

Genes: DOCK6 (dedicator of cytokinesis 6; minus strand), DOCK6-AS1 (DOCK6 antisense RNA 1; plus strand). Cytogenetic location: 19p13.2.
Variant type: single nucleotide variant.
Coding change: c.3848G>A on transcript NM_020812.4 (MANE Select); coding-DNA position 3848, G replaced by A.
Protein change: p.Arg1283His; replaces arginine 1283 with histidine.
Molecular consequence: missense variant.
Genome position (GRCh38, 1-based): chr19:11,216,960, C>T on the plus strand (G>A on the coding strand, the complement: DOCK6 is on the minus strand). VCF-style: chr19-11216960-C-T. GRCh37 (hg19) VCF-style: chr19-11327636-C-T.
Other names: c.3848G>A (NM_020812.2); c.3953G>A, p.Arg1318His (NM_001367830.1); short protein forms R1283H, R1318H.
Identifiers: ClinVar variation 2194399 (VCV002194399.4), dbSNP rs189925805, ClinGen allele CA9207105.